The following is an entry in ClinVar:

ClinVar aggregate classification (germline): Uncertain significance. Review status: criteria provided, multiple submitters, no conflicts (2 of 4 stars). 2 submissions from 2 submitters: Uncertain significance (2). Last evaluated 2024-05-29.

Conditions:
Hereditary cancer-predisposing syndrome. Also called: Tumor predisposition; Hereditary neoplastic syndrome; Neoplastic Syndromes, Hereditary; Hereditary Cancer Syndrome. Identifiers: Orphanet 140162, MedGen C0027672, MeSH D009386, MONDO:0015356.
Bloom syndrome (BLM). Also called: Bloom-Torre-Machacek syndrome. Identifiers: Orphanet 125, MedGen C0005859, MONDO:0008876, OMIM 210900.

Submissions (2):

Ambry Genetics
Classification: Uncertain significance for Hereditary cancer-predisposing syndrome. Last evaluated: 2024-05-29. Review status: criteria provided, single submitter. Criteria: Ambry Variant Classification Scheme 2023. Collection method: clinical testing. Allele origin: germline.
Comment: The p.L372P variant (also known as c.1115T>C), located in coding exon 5 of the BLM gene, results from a T to C substitution at nucleotide position 1115. The leucine at codon 372 is replaced by proline, an amino acid with similar properties. This amino acid position is conserved. In addition, this alteration is predicted to be deleterious by in silico analysis. Based on the available evidence, the clinical significance of this variant remains unclear.

Labcorp Genetics (formerly Invitae), Labcorp
Classification: Uncertain significance for Bloom syndrome. Last evaluated: 2022-08-07. Review status: criteria provided, single submitter. Criteria: Invitae Variant Classification Sherloc (09022015). Collection method: clinical testing. Allele origin: germline.
Comment: This variant has not been reported in the literature in individuals affected with BLM-related conditions. In summary, the available evidence is currently insufficient to determine the role of this variant in disease. Therefore, it has been classified as a Variant of Uncertain Significance. Algorithms developed to predict the effect of missense changes on protein structure and function are either unavailable or do not agree on the potential impact of this missense change (SIFT: "Deleterious"; PolyPhen-2: "Probably Damaging"; Align-GVGD: "Class C0"). This variant is not present in population databases (gnomAD no frequency). This sequence change replaces leucine, which is neutral and non-polar, with proline, which is neutral and non-polar, at codon 372 of the BLM protein (p.Leu372Pro).

NM_000057.4(BLM):c.1115T>C (p.Leu372Pro)

Gene: BLM (BLM RecQ like helicase; plus strand). Cytogenetic location: 15q26.1.
Variant type: single nucleotide variant.
Coding change: c.1115T>C on transcript NM_000057.4 (MANE Select); coding-DNA position 1115, T replaced by C.
Protein change: p.Leu372Pro; replaces leucine 372 with proline.
Molecular consequence: missense variant. On other transcripts: 5 prime UTR variant (1).
Genome position (GRCh38, 1-based): chr15:90,760,174, T>C. VCF-style: chr15-90760174-T-C. GRCh37 (hg19) VCF-style: chr15-91303404-T-C.
Other names: c.1115T>C, p.Leu372Pro (NM_001287246.2, NM_001287247.2); c.-11T>C (NM_001287248.2); short protein forms L372P.
Identifiers: ClinVar variation 2199903 (VCV002199903.5), dbSNP rs2151157231, ClinGen allele CA393842342.
Genomic context (GRCh38, chr15:90,760,174, plus strand): 5'-AAGAAAAATATTAACAACATAATTATTTTATAGCTAGACAGATAAGTTTACAGCAGCAGC[T>C]TATTCATGTGATGGAGCACATCTGTAAATTAATTGATACTATTCCTGATGATAAACTGAA-3'
Protein context (NP_000048.1, residues 362-382): DARQISLQQQ[Leu372Pro]IHVMEHICKL